The following is an entry in ClinVar:

ClinVar aggregate classification (germline): Uncertain significance. Review status: criteria provided, multiple submitters, no conflicts (2 of 4 stars). 5 submissions from 5 submitters: Uncertain significance (5). Last evaluated 2025-11-25.

Conditions:
MSH3-related disorder. Also called: MSH3-related condition.
Endometrial carcinoma. Also called: Endometrial carcinoma, somatic. Identifiers: MedGen C0476089, MONDO:0002447, OMIM 608089, HP:0012114.
Familial adenomatous polyposis 4 (FAP4). Also called: MSH3-related attenuated familial adenomatous polyposis. Identifiers: Orphanet 480536, MedGen C4310719, MONDO:0044300, OMIM 617100.
Hereditary cancer-predisposing syndrome. Also called: Neoplastic Syndromes, Hereditary; Tumor predisposition; Hereditary Cancer Syndrome; Hereditary neoplastic syndrome. Identifiers: Orphanet 140162, MedGen C0027672, MeSH D009386, MONDO:0015356.

Allele frequency attached by ClinVar (database versions not stated): TOPMed below 0.00001; gnomAD exomes 0.00001 and 0.00002; ExAC 0.00003.
gnomAD v4.1: 13 of 1,613,630 alleles (0.00081%); highest among the groups gnomAD compares: Non-Finnish European, 0.001%; no homozygotes.

Submissions (5):

Labcorp Genetics (formerly Invitae), Labcorp
Classification: Uncertain significance. Last evaluated: 2025-11-25. Review status: criteria provided, single submitter. Criteria: Invitae Variant Classification Sherloc (09022015). Collection method: clinical testing. Allele origin: germline.
Comment: This sequence change replaces glutamine, which is neutral and polar, with arginine, which is basic and polar, at codon 692 of the MSH3 protein (p.Gln692Arg). This variant is present in population databases (rs771378744, gnomAD 0.004%). This variant has not been reported in the literature in individuals affected with MSH3-related conditions. ClinVar contains an entry for this variant (Variation ID: 648984). An algorithm developed to predict the effect of missense changes on protein structure and function (PolyPhen-2) suggests that this variant is likely to be tolerated. In summary, the available evidence is currently insufficient to determine the role of this variant in disease. Therefore, it has been classified as a Variant of Uncertain Significance.

Ambry Genetics
Classification: Uncertain significance for Hereditary cancer-predisposing syndrome. Last evaluated: 2025-03-14. Review status: criteria provided, single submitter. Criteria: Ambry Variant Classification Scheme 2023. Collection method: clinical testing. Allele origin: germline.
Comment: The p.Q692R variant (also known as c.2075A>G), located in coding exon 14 of the MSH3 gene, results from an A to G substitution at nucleotide position 2075. The glutamine at codon 692 is replaced by arginine, an amino acid with highly similar properties. This amino acid position is not well conserved in available vertebrate species. In addition, this alteration is predicted to be tolerated by in silico analysis. Since supporting evidence is limited at this time, the clinical significance of this alteration remains unclear.

Fulgent Genetics
Classification: Uncertain significance for Endometrial carcinoma; Familial adenomatous polyposis 4. Last evaluated: 2024-05-30. Review status: criteria provided, single submitter. Criteria: ACMG Guidelines, 2015. Collection method: clinical testing. Allele origin: germline.

PreventionGenetics, part of Exact Sciences
Classification: Uncertain significance for MSH3-related condition. Last evaluated: 2023-03-19. Review status: criteria provided, single submitter. Criteria: ACMG Guidelines, 2015. Collection method: clinical testing. Allele origin: germline.
Comment: The MSH3 c.2075A>G variant is predicted to result in the amino acid substitution p.Gln692Arg. To our knowledge, this variant has not been reported in the literature. This variant is reported in 0.0035% of alleles in individuals of European (Non-Finnish) descent in gnomAD and is interpreted as uncertain significance in ClinVar. At this time, the clinical significance of this variant is uncertain due to the absence of conclusive functional and genetic evidence.

Quest Diagnostics Nichols Institute San Juan Capistrano
Classification: Uncertain significance. Last evaluated: 2022-12-08. Review status: criteria provided, single submitter. Criteria: Quest Diagnostics criteria. Collection method: clinical testing. Allele origin: unknown.
Comment: The variant has not been reported in the published literature. The frequency of this variant in the general population, 0.000035 (4/113308 chromosomes), is uninformative in assessment of its pathogenicity. Analysis of this variant using bioinformatics tools for the prediction of the effect of amino acid changes on protein structure and function yielded predictions that this variant is benign. Based on the available information, we are unable to determine the clinical significance of this variant.

NM_002439.5(MSH3):c.2075A>G (p.Gln692Arg)

Gene: MSH3 (mutS homolog 3; plus strand). Cytogenetic location: 5q14.1.
Variant type: single nucleotide variant.
Coding change: c.2075A>G on transcript NM_002439.5 (MANE Select); coding-DNA position 2075, A replaced by G.
Protein change: p.Gln692Arg; replaces glutamine 692 with arginine.
Molecular consequence: missense variant.
Genome position (GRCh38, 1-based): chr5:80,768,111, A>G. VCF-style: chr5-80768111-A-G. GRCh37 (hg19) VCF-style: chr5-80063930-A-G.
Other names: short protein forms Q692R.
Identifiers: ClinVar variation 648984 (VCV000648984.14), dbSNP rs771378744, ClinGen allele CA3328124.